The following is an entry in ClinVar:

NM_001366145.2(TRPM3):c.195A>G (p.Ile65Met)

Gene: TRPM3 (transient receptor potential cation channel subfamily M member 3; minus strand). Cytogenetic location: 9q21.12.
Variant type: single nucleotide variant.
Coding change: c.195A>G on transcript NM_001366145.2 (MANE Select); coding-DNA position 195, A replaced by G.
Protein change: p.Ile65Met; replaces isoleucine 65 with methionine.
Molecular consequence: missense variant. On other transcripts: 5 prime UTR variant (9).
Genome position (GRCh38, 1-based): chr9:70,864,494, T>C on the plus strand (A>G on the coding strand, the complement: TRPM3 is on the minus strand). VCF-style: chr9-70864494-T-C. GRCh37 (hg19) VCF-style: chr9-73479410-T-C.
Other names: I65M; c.-265A>G (NM_001007470.3, NM_001366154.2, NM_020952.6 and 6 more transcripts); c.195A>G, p.Ile65Met (NM_001007471.4, NM_001366146.2, NM_001366147.2 and 6 more transcripts); c.201A>G, p.Ile67Met (NM_001366141.2, NM_001366142.2, NM_001366143.2 and 1 more transcripts); short protein forms I67M.
Identifiers: ClinVar variation 2443699 (VCV002443699.3), dbSNP rs867503544, ClinGen allele CA193482861.
Genomic context (GRCh38, chr9:70,864,494, plus strand): 5'-ATGGGGGTCTTTGGTGCTGGGTATGATGTGGACACATTCTCTTTTATAAAATGCTCTTTC[T>C]ATCCAGGATTTCTGAGCCTGAAAAAGAAAACAAAAAAAAAAAAAAAAGAAAAAAGAAAGA-3'
Protein context (NP_001353074.1, residues 55-75): VRLLKAQKSW[Ile65Met]ERAFYKRECV

ClinVar aggregate classification (germline): Uncertain significance. Review status: criteria provided, single submitter (1 of 4 stars). 2 submissions from 2 submitters: Uncertain significance (1). 1 of the submissions does not count toward it. Last evaluated 2024-02-16.

Conditions:
Cataract 50 with or without glaucoma (CTRCT50). Identifiers: MedGen C5830299, MONDO:0859382, OMIM 620253.

Submissions (2):

GeneDx
Classification: Uncertain significance. Last evaluated: 2024-02-16. Review status: criteria provided, single submitter. Criteria: GeneDx Variant Classification Process June 2021. Collection method: clinical testing. Allele origin: germline. Affected: yes.
Comment: Published functional studies demonstrate a damaging effect: I65M may operate through a gain-of-function mechanism that disrupts cellular osmoregulation (PMID: 38334649); Not observed at significant frequency in large population cohorts (gnomAD); In silico analysis supports that this missense variant has a deleterious effect on protein structure/function; Reported using an alternate transcript of the gene; This variant is associated with the following publications: (PMID: 38334649, 25090642)

OMIM
Classification: Pathogenic for CATARACT 50 WITH OR WITHOUT GLAUCOMA (1 family). Last evaluated: 2023-08-02. Review status: no assertion criteria provided. Collection method: literature only. Allele origin: germline. Not counted in ClinVar's aggregate classification.

Literature cited by the submitters: PubMed 25090642 (cited by OMIM).